The following is an entry in ClinVar:

ClinVar aggregate classification (germline): Uncertain significance (1 of 4 stars; one submission).

Conditions:
Cardiomyopathy (CMYO). Also called: Cardiomyopathies. Identifiers: Orphanet 167848, MedGen C0878544, MONDO:0004994, HP:0001638. Inheritance: Various modes of inheritance.

Submission:

Color Diagnostics, LLC DBA Color Health
Classification: Uncertain significance for Cardiomyopathy. Last evaluated: 2025-06-17. Review status: criteria provided, single submitter. Criteria: ACMG Guidelines, 2015. Collection method: clinical testing. Allele origin: germline.
Comment: This missense variant replaces methionine with threonine at codon 41 of the TMEM43 protein. Computational prediction suggests that this variant may not impact protein structure and function. To our knowledge, functional studies have not been reported for this variant. This variant has not been reported in individuals affected with TMEM43-related disorders in the literature. This variant has not been identified in the general population by the Genome Aggregation Database (gnomAD). The available evidence is insufficient to determine the role of this variant in disease conclusively. Therefore, this variant is classified as a Variant of Uncertain Significance.

NM_024334.3(TMEM43):c.122T>C (p.Met41Thr)

Gene: TMEM43 (transmembrane protein 43; plus strand). Cytogenetic location: 3p25.1.
Variant type: single nucleotide variant.
Coding change: c.122T>C on transcript NM_024334.3 (MANE Select); coding-DNA position 122, T replaced by C.
Protein change: p.Met41Thr; replaces methionine 41 with threonine.
Molecular consequence: missense variant. On other transcripts: intron variant (1).
Genome position (GRCh38, 1-based): chr3:14,129,521, T>C. VCF-style: chr3-14129521-T-C. GRCh37 (hg19) VCF-style: chr3-14171021-T-C.
Other names: c.122T>C, p.Met41Thr (NM_001407274.1, NM_001407275.1, NM_001407276.1 and 3 more transcripts); c.13-1301T>C (NM_001407280.1); short protein forms M41T.
Identifiers: ClinVar variation 4757050 (VCV004757050.1).